The following is an entry in ClinVar:

NM_001371596.2(MFSD8):c.63-2A>G

Gene: MFSD8 (major facilitator superfamily domain containing 8; minus strand). Cytogenetic location: 4q28.2.
Variant type: single nucleotide variant.
Coding change: c.63-2A>G on transcript NM_001371596.2 (MANE Select); the canonical splice acceptor site of the intron before coding-DNA position 63, A replaced by G.
Molecular consequence: splice acceptor variant. On other transcripts: intron variant (1).
Genome position (GRCh38, 1-based): chr4:127,957,594, T>C on the plus strand (A>G on the coding strand, the complement: MFSD8 is on the minus strand). VCF-style: chr4-127957594-T-C. GRCh37 (hg19) VCF-style: chr4-128878749-T-C.
Other names: c.-71-4A>G (NM_001371595.1); c.-73-2A>G (NM_001410765.1, NM_001371590.2); c.63-2A>G (NM_152778.4, NM_001363521.3, NM_001410766.1 and 5 more transcripts).
Identifiers: ClinVar variation 985208 (VCV000985208.6), dbSNP rs757857101, ClinGen allele CA3077581.

ClinVar aggregate classification (germline): Pathogenic/Likely pathogenic. Review status: criteria provided, multiple submitters, no conflicts (2 of 4 stars). 2 submissions from 2 submitters: Pathogenic (1); Likely pathogenic (1). Last evaluated 2025-09-30.

Conditions:
Late-infantile neuronal ceroid lipofuscinosis. Also called: Jansky-Bielschowsky disease. Identifiers: MedGen C0022340, MONDO:0015674.
Inborn genetic diseases. Identifiers: MedGen C0950123, MeSH D030342.

Allele frequency attached by ClinVar (database versions not stated): gnomAD exomes below 0.00001; ExAC 0.00001.
gnomAD v4.1: 1 of 1,601,242 alleles (0.000062%); no homozygotes.

Submissions (2):

Natera, Inc.
Classification: Pathogenic for Late-infantile neuronal ceroid lipofuscinosis. Last evaluated: 2025-09-30. Review status: criteria provided, single submitter. Criteria: Natera Variant Classification Schema (03/2026). Collection method: clinical testing. Allele origin: germline.
Comment: The c.63-2A>G variant in MFSD8 is a canonical splice acceptor site variant predicted to affect pre-mRNA splicing, which may result in an abnormal transcript and altered protein product. This variant is expected to result in nonsense mediated decay, truncation, or a dysfunctional protein product. This variant is rare in the general population with a frequency below the threshold expected for the associated phenotype(s). This variant has been observed in one or more individuals affected with the associated recessive disease, as either homozygous or compound heterozygous with a second variant (PMID: 31618753). Given the available evidence, this variant is classified as Pathogenic.

Ambry Genetics
Classification: Likely pathogenic for Inborn genetic diseases. Last evaluated: 2018-03-13. Review status: criteria provided, single submitter. Criteria: Ambry exome assertion method (8-5-2015). Collection method: clinical testing. Allele origin: germline. Affected: yes. Observed: 1 variant allele.

Literature cited by the submitters: PubMed 31618753 (cited by Natera, Inc.).